The following is an entry in ClinVar:

NM_006876.3(B4GAT1):c.170A>C (p.Asp57Ala)

Gene: B4GAT1 (beta-1,4-glucuronyltransferase 1; minus strand). Cytogenetic location: 11q13.2.
Variant type: single nucleotide variant.
Coding change: c.170A>C on transcript NM_006876.3 (MANE Select); coding-DNA position 170, A replaced by C.
Protein change: p.Asp57Ala; replaces aspartic acid 57 with alanine.
Molecular consequence: missense variant.
Genome position (GRCh38, 1-based): chr11:66,347,376, T>G on the plus strand (A>C on the coding strand, the complement: B4GAT1 is on the minus strand). VCF-style: chr11-66347376-T-G. GRCh37 (hg19) VCF-style: chr11-66114847-T-G.
Other names: short protein forms D57A.
Identifiers: ClinVar variation 541279 (VCV000541279.8), dbSNP rs1555016653, ClinGen allele CA381418949.

ClinVar aggregate classification (germline): Uncertain significance (1 of 4 stars; one submission).

Conditions:
Muscular dystrophy-dystroglycanopathy (congenital with brain and eye anomalies), type A13. Also called: WALKER-WARBURG SYNDROME OR MUSCLE-EYE-BRAIN DISEASE, B3GNT1-RELATED; Muscular dystrophy-dystroglycanopathy (congenital with brain and eye anomalies), type a, 13. Identifiers: Orphanet 899, MedGen C3809042, MONDO:0014120, OMIM 615287.

Submission:

Labcorp Genetics (formerly Invitae), Labcorp
Classification: Uncertain significance for Muscular dystrophy-dystroglycanopathy (congenital with brain and eye anomalies), type A13. Last evaluated: 2024-01-08. Review status: criteria provided, single submitter. Criteria: Invitae Variant Classification Sherloc (09022015). Collection method: clinical testing. Allele origin: germline.
Comment: This sequence change replaces aspartic acid, which is acidic and polar, with alanine, which is neutral and non-polar, at codon 57 of the B4GAT1 protein (p.Asp57Ala). This variant is not present in population databases (gnomAD no frequency). This variant has not been reported in the literature in individuals affected with B4GAT1-related conditions. ClinVar contains an entry for this variant (Variation ID: 541279). Advanced modeling of protein sequence and biophysical properties (such as structural, functional, and spatial information, amino acid conservation, physicochemical variation, residue mobility, and thermodynamic stability) performed at Invitae indicates that this missense variant is not expected to disrupt B4GAT1 protein function with a negative predictive value of 80%. In summary, the available evidence is currently insufficient to determine the role of this variant in disease. Therefore, it has been classified as a Variant of Uncertain Significance.